The following is an entry in ClinVar:

NM_002291.3(LAMB1):c.3440C>T (p.Ser1147Phe)

Gene: LAMB1 (laminin subunit beta 1; minus strand). Cytogenetic location: 7q31.1.
Variant type: single nucleotide variant.
Coding change: c.3440C>T on transcript NM_002291.3 (MANE Select); coding-DNA position 3440, C replaced by T.
Protein change: p.Ser1147Phe; replaces serine 1147 with phenylalanine.
Molecular consequence: missense variant.
Genome position (GRCh38, 1-based): chr7:107,940,310, G>A on the plus strand (C>T on the coding strand, the complement: LAMB1 is on the minus strand). VCF-style: chr7-107940310-G-A. GRCh37 (hg19) VCF-style: chr7-107580755-G-A.
Other names: short protein forms S1147F.
Identifiers: ClinVar variation 2073343 (VCV002073343.4), dbSNP rs778323211, ClinGen allele CA4435311.

ClinVar aggregate classification (germline): Uncertain significance (1 of 4 stars; one submission).

Allele frequency attached by ClinVar (database versions not stated): gnomAD exomes below 0.00001; ExAC 0.00001.
gnomAD v4.1: 1 of 1,614,180 alleles (0.000062%); highest among the groups gnomAD compares: Admixed American, 0.0017%; no homozygotes.

Submission:

Labcorp Genetics (formerly Invitae), Labcorp
Classification: Uncertain significance. Last evaluated: 2024-10-07. Review status: criteria provided, single submitter. Criteria: Invitae Variant Classification Sherloc (09022015). Collection method: clinical testing. Allele origin: germline.
Comment: This sequence change replaces serine, which is neutral and polar, with phenylalanine, which is neutral and non-polar, at codon 1147 of the LAMB1 protein (p.Ser1147Phe). This variant is present in population databases (rs778323211, gnomAD 0.003%). This variant has not been reported in the literature in individuals affected with LAMB1-related conditions. ClinVar contains an entry for this variant (Variation ID: 2073343). An algorithm developed to predict the effect of missense changes on protein structure and function (PolyPhen-2) suggests that this variant is likely to be tolerated. In summary, the available evidence is currently insufficient to determine the role of this variant in disease. Therefore, it has been classified as a Variant of Uncertain Significance.